The following is an entry in ClinVar:

ClinVar aggregate classification (germline): Uncertain significance (1 of 4 stars; one submission).

Conditions:
Pyogenic bacterial infections due to MyD88 deficiency (IMD68). Also called: PYOGENIC BACTERIAL INFECTIONS, RECURRENT, DUE TO MYD88 DEFICIENCY. Identifiers: Orphanet 183713, MedGen C2677092, MONDO:0012839, OMIM 612260.

Allele frequency attached by ClinVar (database versions not stated): gnomAD exomes 0.00001 and 0.00002; TOPMed 0.00008; ExAC 0.00002; gnomAD 0.00007.

Submission:

Labcorp Genetics (formerly Invitae), Labcorp
Classification: Uncertain significance for Pyogenic bacterial infections due to MyD88 deficiency. Last evaluated: 2021-06-28. Review status: criteria provided, single submitter. Criteria: Invitae Variant Classification Sherloc (09022015). Collection method: clinical testing. Allele origin: germline.
Comment: In summary, the available evidence is currently insufficient to determine the role of this variant in disease. Therefore, it has been classified as a Variant of Uncertain Significance. Algorithms developed to predict the effect of missense changes on protein structure and function (SIFT, PolyPhen-2, Align-GVGD) all suggest that this variant is likely to be tolerated. This variant has not been reported in the literature in individuals affected with MYD88-related conditions. This variant is present in population databases (rs768726138, ExAC 0.02%). This sequence change replaces serine with glycine at codon 121 of the MYD88 protein (p.Ser121Gly). The serine residue is moderately conserved and there is a small physicochemical difference between serine and glycine.

NM_002468.5(MYD88):c.322A>G (p.Ser108Gly)

Gene: MYD88 (MYD88 innate immune signal transduction adaptor; plus strand). Cytogenetic location: 3p22.2.
Variant type: single nucleotide variant.
Coding change: c.322A>G on transcript NM_002468.5 (MANE Select); coding-DNA position 322, A replaced by G.
Protein change: p.Ser108Gly; replaces serine 108 with glycine.
Molecular consequence: missense variant.
Genome position (GRCh38, 1-based): chr3:38,139,022, A>G. VCF-style: chr3-38139022-A-G. GRCh37 (hg19) VCF-style: chr3-38180513-A-G.
Other names: c.322A>G, p.Ser108Gly (NM_001365876.1, NM_001365877.1, NM_001374787.1 and 4 more transcripts); short protein forms S108G.
Identifiers: ClinVar variation 1414016 (VCV001414016.7), dbSNP rs768726138, ClinGen allele CA2316077.